The following is an entry in ClinVar:

NM_000157.4(GBA1):c.598A>G (p.Ile200Val)

Genes: GBA1 (glucosylceramidase beta 1; minus strand), LOC106627981 (GBA recombination region; plus strand). Cytogenetic location: 1q22.
Variant type: single nucleotide variant.
Coding change: c.598A>G on transcript NM_000157.4 (MANE Select); coding-DNA position 598, A replaced by G.
Protein change: p.Ile200Val; replaces isoleucine 200 with valine.
Molecular consequence: missense variant.
Genome position (GRCh38, 1-based): chr1:155,238,297, T>C on the plus strand (A>G on the coding strand, the complement: GBA1 is on the minus strand). VCF-style: chr1-155238297-T-C. GRCh37 (hg19) VCF-style: chr1-155208088-T-C.
Other names: c.598A>G, p.Ile200Val (NM_001005741.3, NM_001005742.3); c.337A>G, p.Ile113Val (NM_001171811.2); c.451A>G, p.Ile151Val (NM_001171812.2); short protein forms I113V, I151V, I200V.
Identifiers: ClinVar variation 3336292 (VCV003336292.1).
Genomic context (GRCh38, chr1:155,238,297, plus strand): 5'-ATGTCCAGGGGCTGGCAAGGAGTGAAACGGGACGCTGGGCCAACTGCAGGGCTCGGTGAA[T>C]CAGGGGTATCTAGAGACAAAGGTAGTGAAGAGAGAAGCACCCAGAGTTGGAACACATACT-3'
Protein context (NP_000148.2, residues 190-210): EEDTKLKIPL[Ile200Val]HRALQLAQRP

ClinVar aggregate classification (germline): Uncertain significance (1 of 4 stars; one submission).

Submission:

Women's Health and Genetics/Laboratory Corporation of America, LabCorp
Classification: Uncertain significance. Last evaluated: 2024-05-01. Review status: criteria provided, single submitter. Criteria: LabCorp Variant Classification Summary - May 2015. Collection method: clinical testing. Allele origin: germline.
Comment: Variant summary: GBA1 c.598A>G (p.Ile200Val) results in a conservative amino acid change located in the Glycosyl hydrolase family 30, TIM-barrel domain (IPR033453) of the encoded protein sequence. Three of five in-silico tools predict a damaging effect of the variant on protein function. The variant was absent in 1432824 control chromosomes. The available data on variant occurrences in the general population are insufficient to allow any conclusion about variant significance. To our knowledge, no occurrence of c.598A>G in individuals affected with Gaucher Disease and no experimental evidence demonstrating its impact on protein function have been reported. No submitters have cited clinical-significance assessments for this variant to ClinVar. Based on the evidence outlined above, the variant was classified as uncertain significance.